The following is an entry in ClinVar:

NM_001101426.4(CRPPA):c.594C>T (p.Cys198=)

Gene: CRPPA (CDP-L-ribitol pyrophosphorylase A; minus strand). Cytogenetic location: 7p21.2.
Variant type: single nucleotide variant.
Coding change: c.594C>T on transcript NM_001101426.4 (MANE Select); coding-DNA position 594, C replaced by T.
Protein change: p.Cys198=; no amino-acid change (cysteine 198 retained).
Molecular consequence: synonymous variant. On other transcripts: non-coding transcript variant (1), intron variant (1).
Genome position (GRCh38, 1-based): chr7:16,376,182, G>A on the plus strand (C>T on the coding strand, the complement: CRPPA is on the minus strand). VCF-style: chr7-16376182-G-A. GRCh37 (hg19) VCF-style: chr7-16415807-G-A.
Other names: c.594C>T, p.Cys198= (NM_001368197.1); c.534+29879C>T (NM_001101417.4).
Identifiers: ClinVar variation 1146400 (VCV001146400.16), dbSNP rs756333932, ClinGen allele CA4169562.

ClinVar aggregate classification (germline): Likely benign. Review status: criteria provided, multiple submitters, no conflicts (2 of 4 stars). 2 submissions from 2 submitters: Likely benign (2). Last evaluated 2025-09-01.

Conditions:
Muscular dystrophy-dystroglycanopathy (congenital with brain and eye anomalies), type A, 7. Also called: WALKER-WARBURG SYNDROME OR MUSCLE-EYE-BRAIN DISEASE, ISPD-RELATED; Congenital muscular dystrophy-dystroglycanopathy with brain and eye anomalies, type A7. Identifiers: Orphanet 899, MedGen C3553330, MONDO:0013835, OMIM 614643.
Autosomal recessive limb-girdle muscular dystrophy type 2U. Also called: Muscular dystrophy-dystroglycanopathy (limb-girdle), type c, 7; MUSCULAR DYSTROPHY, LIMB-GIRDLE, TYPE 2U. Identifiers: Orphanet 352479, MedGen C5190987, MONDO:0014474, OMIM 616052.

Allele frequency attached by ClinVar (database versions not stated): TOPMed 0.00001; gnomAD exomes 0.00002; ExAC 0.00003.
gnomAD v4.1: 9 of 1,613,346 alleles (0.00056%); highest among the groups gnomAD compares: Admixed American, 0.0083%; no homozygotes.

Submissions (2):

CeGaT Center for Human Genetics Tuebingen
Classification: Likely benign. Last evaluated: 2025-09-01. Review status: criteria provided, single submitter. Criteria: CeGaT Center For Human Genetics Tuebingen Variant Classification Criteria Version 2. Collection method: clinical testing. Allele origin: germline. Affected: yes. Observed: 1 variant allele.
Comment: CRPPA: BP4, BP7

Labcorp Genetics (formerly Invitae), Labcorp
Classification: Likely benign for Muscular dystrophy-dystroglycanopathy (congenital with brain and eye anomalies), type A, 7; Autosomal recessive limb-girdle muscular dystrophy type 2U. Last evaluated: 2024-11-11. Review status: criteria provided, single submitter. Criteria: Invitae Variant Classification Sherloc (09022015). Collection method: clinical testing. Allele origin: germline.